The following is an entry in ClinVar:

ClinVar aggregate classification (germline): Pathogenic. Review status: criteria provided, multiple submitters, no conflicts (2 of 4 stars). 2 submissions from 2 submitters: Pathogenic (2). Last evaluated 2023-04-14.

Conditions:
Hereditary cancer-predisposing syndrome. Also called: Neoplastic Syndromes, Hereditary; Hereditary Cancer Syndrome; Tumor predisposition; Hereditary neoplastic syndrome. Identifiers: Orphanet 140162, MedGen C0027672, MeSH D009386, MONDO:0015356.
Familial adenomatous polyposis 1 (FAP1). Also called: FAMILIAL ADENOMATOUS POLYPOSIS 1, ATTENUATED; POLYPOSIS, ADENOMATOUS INTESTINAL. Identifiers: MedGen C2713442, MONDO:0021056, OMIM 175100. Disease mechanism: loss of function.

Submissions (2):

Labcorp Genetics (formerly Invitae), Labcorp
Classification: Pathogenic for Familial adenomatous polyposis 1. Last evaluated: 2023-04-14. Review status: criteria provided, single submitter. Criteria: Invitae Variant Classification Sherloc (09022015). Collection method: clinical testing. Allele origin: germline.
Comment: This variant has not been reported in the literature in individuals affected with APC-related conditions. This sequence change creates a premature translational stop signal (p.Leu769Serfs*8) in the APC gene. While this is not anticipated to result in nonsense mediated decay, it is expected to disrupt the last 2075 amino acid(s) of the APC protein. This variant is not present in population databases (gnomAD no frequency). This variant is expected to disrupt the EB1 and HDLG binding sites, which mediate interactions with the cytoskeleton (PMID: 15311282, 17293347). While functional studies have not been performed to directly test the effect on APC protein function, this suggests that disruption of the C-terminal portion of the protein is functionally important. A different truncation (p.Tyr2645Lysfs*14) that lies downstream of this variant has been determined to be pathogenic (PMID: 9824584, 1316610, 27081525, 8381579, 22135120, Invitae). This suggests that deletion of this region of the APC protein is causative of disease. For these reasons, this variant has been classified as Pathogenic.

Ambry Genetics
Classification: Pathogenic for Hereditary cancer-predisposing syndrome. Last evaluated: 2019-08-23. Review status: criteria provided, single submitter. Criteria: Ambry Variant Classification Scheme 2023. Collection method: clinical testing. Allele origin: germline.
Comment: The c.2306_2307delTAinsC variant, located in coding exon 15 of the APC gene, results from the deletion of two nucleotides and insertion of one nucleotide causing a translational frameshift with a predicted alternate stop codon (p.L769Sfs*8). This alteration is expected to result in loss of function by premature protein truncation or nonsense-mediated mRNA decay. As such, this alteration is interpreted as a disease-causing mutation.

Literature cited by the submitters: PubMed 15311282 (cited by Labcorp Genetics (formerly Invitae), Labcorp); PubMed 17293347 (cited by Labcorp Genetics (formerly Invitae), Labcorp); PubMed 9824584 (cited by Labcorp Genetics (formerly Invitae), Labcorp); PubMed 1316610 (cited by Labcorp Genetics (formerly Invitae), Labcorp); PubMed 27081525 (cited by Labcorp Genetics (formerly Invitae), Labcorp); PubMed 8381579 (cited by Labcorp Genetics (formerly Invitae), Labcorp); PubMed 22135120 (cited by Labcorp Genetics (formerly Invitae), Labcorp).

NM_000038.6(APC):c.2306_2307delinsC (p.Leu769fs)

Gene: APC (APC regulator of Wnt signaling pathway; plus strand). Cytogenetic location: 5q22.2.
Variant type: Indel.
Coding change: c.2306_2307delinsC on transcript NM_000038.6 (MANE Select); coding-DNA positions 2306 to 2307, TA replaced by C.
Protein change: p.Leu769fs; shifts the reading frame from leucine 769.
Molecular consequence: frameshift variant.
Genome position (GRCh38, 1-based): chr5:112,837,900-112,837,901, TA replaced by C. VCF-style: chr5-112837900-TA-C. GRCh37 (hg19) VCF-style: chr5-112173597-TA-C.
Other names: c.2306_2307delinsC, p.Leu769fs (NM_001127510.3, NM_001354895.2); c.2252_2253delinsC, p.Leu751fs (NM_001127511.3); c.2360_2361delinsC, p.Leu787fs (NM_001354896.2); c.2336_2337delinsC, p.Leu779fs (NM_001354897.2); c.2231_2232delinsC, p.Leu744fs (NM_001354898.2); c.2222_2223delinsC, p.Leu741fs (NM_001354899.2); c.2183_2184delinsC, p.Leu728fs (NM_001354900.2); c.2129_2130delinsC, p.Leu710fs (NM_001354901.2); and 6 more; short protein forms L668fs, L744fs, L486fs, L609fs, L678fs, L710fs, L728fs, L751fs.
Identifiers: ClinVar variation 971037 (VCV000971037.8), dbSNP rs1765151559, ClinGen allele CA1139655911.
Genomic context (GRCh38, chr5:112,837,900, plus strand): 5'-TGCCATCTCTTCATGTTAGGAAACAAAAAGCCCTAGAAGCAGAATTAGATGCTCAGCACT[TA>C]TCAGAAACTTTTGACAATATAGACAATTTAAGTCCCAAGGCATCTCATCGTAGTAAGCAG-3'